The following is an entry in ClinVar:

NM_003334.4(UBA1):c.2329G>A (p.Gly777Arg)

Gene: UBA1 (ubiquitin like modifier activating enzyme 1; plus strand). Cytogenetic location: Xp11.3.
Variant type: single nucleotide variant.
Coding change: c.2329G>A on transcript NM_003334.4 (MANE Select); coding-DNA position 2329, G replaced by A.
Protein change: p.Gly777Arg; replaces glycine 777 with arginine.
Molecular consequence: missense variant.
Genome position (GRCh38, 1-based): chrX:47,211,090, G>A. VCF-style: chrX-47211090-G-A. GRCh37 (hg19) VCF-style: chrX-47070489-G-A.
Other names: c.2329G>A, p.Gly777Arg (NM_153280.3); short protein forms G777R.
Identifiers: ClinVar variation 391497 (VCV000391497.9), dbSNP rs868922840, ClinGen allele CA16609186.

ClinVar aggregate classification (germline): Uncertain significance. Review status: criteria provided, multiple submitters, no conflicts (2 of 4 stars). 3 submissions from 3 submitters: Uncertain significance (3). Last evaluated 2026-08-17.

Conditions:
Infantile-onset X-linked spinal muscular atrophy. Also called: Spinal muscular atrophy, X-linked 2; AMC, DISTAL, X-LINKED; ARTHROGRYPOSIS, X-LINKED, TYPE I; Spinal Muscular Atrophy, X-Linked Infantile; SPINAL MUSCULAR ATROPHY, X-LINKED LETHAL INFANTILE. Identifiers: Orphanet 1145, MedGen C1844934, MONDO:0010532, OMIM 301830.
Inborn genetic diseases. Identifiers: MedGen C0950123, MeSH D030342.

Allele frequency attached by ClinVar (database versions not stated): TOPMed 0.00010; gnomAD 0.00001; gnomAD exomes 0.00001.
gnomAD v4.1: 10 of 1,209,878 alleles (0.00083%); highest among the groups gnomAD compares: African/African-American, 0.0088%; no homozygotes.

Submissions (5):

Ambry Genetics
Classification: Uncertain significance for Inborn genetic diseases. Last evaluated: 2026-08-17. Review status: criteria provided, single submitter. Criteria: Ambry Variant Classification Scheme 2023. Collection method: clinical testing. Allele origin: germline.
Comment: The c.2329G>A (p.G777R) alteration is located in exon 20 (coding exon 19) of the UBA1 gene. This alteration results from a G to A substitution at nucleotide position 2329, causing the glycine (G) at amino acid position 777 to be replaced by an arginine (R). Based on data from gnomAD, the A allele has an overall frequency of 0.001% (2/183058) total alleles studied. The highest observed frequency was 0.008% (1/13158) of African alleles. Based on insufficient or conflicting evidence, the clinical significance of this alteration remains unclear.

Labcorp Genetics (formerly Invitae), Labcorp
Classification: Uncertain significance for Infantile-onset X-linked spinal muscular atrophy. Last evaluated: 2022-08-03. Review status: criteria provided, single submitter. Criteria: Invitae Variant Classification Sherloc (09022015). Collection method: clinical testing. Allele origin: germline.
Comment: Algorithms developed to predict the effect of missense changes on protein structure and function (SIFT, PolyPhen-2, Align-GVGD) all suggest that this variant is likely to be disruptive. ClinVar contains an entry for this variant (Variation ID: 391497). This variant has not been reported in the literature in individuals affected with UBA1-related conditions. This variant is present in population databases (no rsID available, gnomAD 0.008%). This sequence change replaces glycine, which is neutral and non-polar, with arginine, which is basic and polar, at codon 777 of the UBA1 protein (p.Gly777Arg). Algorithms developed to predict the effect of sequence changes on RNA splicing suggest that this variant may create or strengthen a splice site. In summary, the available evidence is currently insufficient to determine the role of this variant in disease. Therefore, it has been classified as a Variant of Uncertain Significance.

GeneDx
Classification: Uncertain significance. Last evaluated: 2019-01-17. Review status: criteria provided, single submitter. Criteria: GeneDx Variant Classification (06012015). Collection method: clinical testing. Allele origin: germline. Affected: yes.
Comment: The G777R variant in the UBA1 gene has not been reported previously as a pathogenic variant, nor as a benign variant, to our knowledge. This variant was not observed in approximately 6500 individuals of European and African American ancestry in the NHLBI Exome Sequencing Project, indicating it is not a common benign variant in these populations. The G777R variant is a non-conservative amino acid substitution, which is likely to impact secondary protein structure as these residues differ in polarity, charge, size and/or other properties. This substitution occurs at a position that is conserved across species. In silico analysis predicts this variant is probably damaging to the protein structure/function. We interpret G777R as a variant of uncertain significance.

Dr. Peter K. Rogan Lab, Western University
No classification provided (evidence only). Condition: Thyroid cancer, nonmedullary, 1. Review status: no classification provided. Collection method: in vitro. Allele origin: not applicable. Functional consequence: retained intron. Not counted in ClinVar's aggregate classification.

Dr. Peter K. Rogan Lab, Western University
No classification provided (evidence only). Condition: Thyroid cancer, nonmedullary, 1. Review status: no classification provided. Collection method: in vitro. Allele origin: not applicable. Functional consequence: retained intron. Not counted in ClinVar's aggregate classification.